The following is an entry in ClinVar:

NC_000007.14:g.156789555A>C

Genes: LMBR1 (limb development membrane protein 1; minus strand), SHH (sonic hedgehog signaling molecule; minus strand). Cytogenetic location: 7q36.3.
Variant type: single nucleotide variant.
Molecular consequence: intron variant (on NM_022458.4).
Genome position: GRCh38 VCF-style: chr7-156789555-A-C. GRCh37 (hg19) VCF-style: chr7-156582249-A-C.
Other names: c.360+6834T>G (NM_001363412.2); c.144+6834T>G (NM_001350954.2); c.423+6834T>G (NM_001363410.2, NM_022458.4, NM_001363409.2 and 1 more transcripts); c.-112+6834T>G (NM_001350958.2, NM_001350956.2, NM_001350955.2 and 1 more transcripts); c.54+6834T>G (NM_001350957.2, NM_001363411.2).
Identifiers: ClinVar variation 2868735 (VCV002868735.3), dbSNP rs183915168, ClinGen allele CA169823282.

ClinVar aggregate classification (germline): Uncertain significance (1 of 4 stars; one submission).

Conditions:
Holoprosencephaly 3 (HPE3). Identifiers: Orphanet 2162, MedGen C1840529, MONDO:0007733, OMIM 142945.

Allele frequency attached by ClinVar (database versions not stated): 1000 Genomes Project 30x 0.00016; TOPMed 0.00019; 1000 Genomes Project 0.00020; gnomAD 0.00025.
gnomAD v4.1: 37 of 152,334 alleles (0.024%); highest among the groups gnomAD compares: Non-Finnish European, 0.043%; no homozygotes.

Submission:

Labcorp Genetics (formerly Invitae), Labcorp
Classification: Uncertain significance for Holoprosencephaly 3. Last evaluated: 2025-09-10. Review status: criteria provided, single submitter. Criteria: Invitae Variant Classification Sherloc (09022015). Collection method: clinical testing. Allele origin: germline.
Comment: This variant occurs in a non-coding region of the SHH gene. It does not change the encoded amino acid sequence of the SHH protein. This variant is present in population databases (rs183915168, gnomAD 0.03%). This variant has not been reported in the literature in individuals affected with SHH-related conditions. Experimental studies and prediction algorithms are not available or were not evaluated, and the effect of this variant on mRNA splicing is currently unknown. In summary, the available evidence is currently insufficient to determine the role of this variant in disease. Therefore, it has been classified as a Variant of Uncertain Significance.